The following is an entry in ClinVar:

NM_001122630.2(CDKN1C):c.66C>T (p.Leu22=)

Gene: CDKN1C (cyclin dependent kinase inhibitor 1C; minus strand). Cytogenetic location: 11p15.4.
Variant type: single nucleotide variant.
Coding change: c.66C>T on transcript NM_001122630.2 (MANE Select); coding-DNA position 66, C replaced by T.
Protein change: p.Leu22=; no amino-acid change (leucine 22 retained).
Molecular consequence: synonymous variant.
Genome position (GRCh38, 1-based): chr11:2,885,391, G>A on the plus strand (C>T on the coding strand, the complement: CDKN1C is on the minus strand). VCF-style: chr11-2885391-G-A. GRCh37 (hg19) VCF-style: chr11-2906621-G-A.
Other names: c.99C>T, p.Leu33= (NM_000076.2, NM_001362474.2); c.66C>T, p.Leu22= (NM_001122631.2, NM_001362475.2).
Identifiers: ClinVar variation 703753 (VCV000703753.18), dbSNP rs960994716, ClinGen allele CA216367478.

ClinVar aggregate classification (germline): Likely benign. Review status: criteria provided, multiple submitters, no conflicts (2 of 4 stars). 3 submissions from 3 submitters: Likely benign (3). Last evaluated 2026-04-01.

Conditions:
Beckwith-Wiedemann syndrome (BWS). Also called: Exomphalos macroglossia gigantism syndrome; EMG SYNDROME. Identifiers: Orphanet 116, MedGen C0004903, MONDO:0007534, OMIM 130650.

Allele frequency attached by ClinVar (database versions not stated): gnomAD exomes below 0.00001; TOPMed 0.00001.

Submissions (3):

CeGaT Center for Human Genetics Tuebingen
Classification: Likely benign. Last evaluated: 2026-04-01. Review status: criteria provided, single submitter. Criteria: CeGaT Center For Human Genetics Tuebingen Variant Classification Criteria Version 2. Collection method: clinical testing. Allele origin: germline. Affected: yes. Observed: 1 variant allele.
Comment: CDKN1C: BP4, BP7

Labcorp Genetics (formerly Invitae), Labcorp
Classification: Likely benign for Beckwith-Wiedemann syndrome. Last evaluated: 2025-07-17. Review status: criteria provided, single submitter. Criteria: Invitae Variant Classification Sherloc (09022015). Collection method: clinical testing. Allele origin: germline.

Genetic Services Laboratory, University of Chicago
Classification: Likely benign. Last evaluated: 2021-12-10. Review status: criteria provided, single submitter. Criteria: ACMG Guidelines, 2015. Collection method: clinical testing. Allele origin: germline. Affected: no.